The following is an entry in ClinVar:

ClinVar aggregate classification (germline): Uncertain significance (1 of 4 stars; one submission).

Submission:

GeneDx
Classification: Uncertain significance. Last evaluated: 2024-12-02. Review status: criteria provided, single submitter. Criteria: GeneDx Variant Classification Process June 2021. Collection method: clinical testing. Allele origin: germline. Affected: yes.
Comment: Not observed at significant frequency in large population cohorts (gnomAD); In silico analysis indicates that this missense variant does not alter protein structure/function; Has not been previously published as pathogenic or benign to our knowledge

NM_004568.6(SERPINB6):c.223C>G (p.Leu75Val)

Gene: SERPINB6 (serpin family B member 6; minus strand). Cytogenetic location: 6p25.2.
Variant type: single nucleotide variant.
Coding change: c.223C>G on transcript NM_004568.6 (MANE Select); coding-DNA position 223, C replaced by G.
Protein change: p.Leu75Val; replaces leucine 75 with valine.
Molecular consequence: missense variant. On other transcripts: non-coding transcript variant (1).
Genome position (GRCh38, 1-based): chr6:2,955,613, G>C on the plus strand (C>G on the coding strand, the complement: SERPINB6 is on the minus strand). VCF-style: chr6-2955613-G-C. GRCh37 (hg19) VCF-style: chr6-2955847-G-C.
Other names: c.235C>G, p.Leu79Val (NM_001195291.3, NM_001374515.1); c.265C>G, p.Leu89Val (NM_001271822.2); c.280C>G, p.Leu94Val (NM_001271823.2); c.223C>G, p.Leu75Val (NM_001271824.2, NM_001271825.2, NM_001297699.2 and 2 more transcripts); c.91C>G, p.Leu31Val (NM_001374517.1); short protein forms L31V, L75V, L79V, L89V, L94V.
Identifiers: ClinVar variation 3900908 (VCV003900908.1).
Genomic context (GRCh38, chr6:2,955,613, plus strand): 5'-AGAGCCTGTTGGCCATCCTAAGCAAGTACTGCGTGCCAGTCTTGTTCACTTCGGTGAGAA[G>C]AGACTGGAAGCCCTGGTGGATGTCTCCACCACCGCCACTTTTATTGAAAGAAAGTATCTG-3'
Protein context (NP_004559.4, residues 65-85): GGDIHQGFQS[Leu75Val]LTEVNKTGTQ